The following is an entry in ClinVar:

ClinVar aggregate classification (germline): Conflicting classifications of pathogenicity. Review status: criteria provided, conflicting classifications (1 of 4 stars). 11 submissions from 11 submitters: Uncertain significance (5); Likely benign (4). 2 of the submissions do not count toward it. Last evaluated 2026-04-13.

Conditions:
BRCA2-related cancer predisposition. Identifiers: MedGen CN377758, MONDO:0700269.
Hereditary cancer-predisposing syndrome. Also called: Hereditary neoplastic syndrome; Neoplastic Syndromes, Hereditary; Hereditary Cancer Syndrome; Tumor predisposition. Identifiers: Orphanet 140162, MedGen C0027672, MeSH D009386, MONDO:0015356.
Hereditary breast ovarian cancer syndrome. Also called: Hereditary breast and ovarian cancer syndrome (HBOC); Breast and ovarian cancer; Hereditary breast and ovarian cancer syndrome; BRCA1- and BRCA2-Associated Hereditary Breast and Ovarian Cancer; Hereditary breast and/or ovarian cancer syndrome; Hereditary breast and ovarian cancer. Identifiers: Orphanet 145, MedGen C0677776, MeSH D061325, MONDO:0003582. Disease mechanism: loss of function.
Breast-ovarian cancer, familial, susceptibility to, 2 (BROVCA2). Also called: BRCA2 Hereditary Breast and Ovarian Cancer. Identifiers: Orphanet 145, MedGen C2675520, MONDO:0012933, OMIM 612555. Disease mechanism: loss of function.

Allele frequency attached by ClinVar (database versions not stated): gnomAD exomes below 0.00001 and 0.00001; ExAC 0.00001; gnomAD 0.00001; TOPMed 0.00001.
gnomAD v4.1: 18 of 1,611,862 alleles (0.0011%); highest among the groups gnomAD compares: Non-Finnish European, 0.0014%; no homozygotes.

Submissions (11):

Women's Health and Genetics/Laboratory Corporation of America, LabCorp
Classification: Uncertain significance. Last evaluated: 2026-04-13. Review status: criteria provided, single submitter. Criteria: LabCorp Variant Classification Summary - May 2015. Collection method: clinical testing. Allele origin: germline.
Comment: Variant summary: BRCA2 c.5272A>G (p.Asn1758Asp) results in a conservative amino acid change in the encoded protein sequence. Algorithms developed to predict the effect of missense changes on protein structure and function all suggest that this variant is likely to be tolerated. The variant allele was found at a frequency of 4e-06 in 250312 control chromosomes. The available data on variant occurrences in the general population are insufficient to allow any conclusion about variant significance. c.5272A>G has been observed in individual(s) affected with Hereditary Breast And Ovarian Cancer Syndrome (Sorscher_2017). These report(s) do not provide unequivocal conclusions about association of the variant with Hereditary Breast And Ovarian Cancer Syndrome. Co-occurrences with other pathogenic variant(s) have been reported (BRCA1 c.5207T>C, p.Val1736Ala), providing supporting evidence for a benign role. To our knowledge, no experimental evidence demonstrating an impact on protein function has been reported. The following publication have been ascertained in the context of this evaluation (PMID: 28868023). ClinVar contains an entry for this variant (Variation ID: 51832). Based on the evidence outlined above, the variant was classified as uncertain significance.

Labcorp Genetics (formerly Invitae), Labcorp
Classification: Likely benign for Hereditary breast ovarian cancer syndrome. Last evaluated: 2026-02-03. Review status: criteria provided, single submitter. Criteria: Invitae Variant Classification Sherloc (09022015). Collection method: clinical testing. Allele origin: germline.

Ambry Genetics
Classification: Likely benign for Hereditary cancer-predisposing syndrome. Last evaluated: 2025-05-28. Review status: criteria provided, single submitter. Criteria: Ambry Variant Classification Scheme 2023. Collection method: clinical testing. Allele origin: germline.

Color Diagnostics, LLC DBA Color Health
Classification: Likely benign for Hereditary cancer-predisposing syndrome. Last evaluated: 2024-09-24. Review status: criteria provided, single submitter. Criteria: ACMG Guidelines, 2015. Collection method: clinical testing. Allele origin: germline.

GeneDx
Classification: Uncertain significance. Last evaluated: 2024-09-09. Review status: criteria provided, single submitter. Criteria: GeneDx Variant Classification Process June 2021. Collection method: clinical testing. Allele origin: germline. Affected: yes.
Comment: Observed in individuals with breast cancer, one of whom also had a family history of breast cancer and tumor showing loss of heterozygosity (PMID: 33471991, 28868023); Not observed at significant frequency in large population cohorts (gnomAD); In silico analysis indicates that this missense variant does not alter protein structure/function; Also known as 5500A>G; This variant is associated with the following publications: (PMID: 31131967, 10923033, 24817641, 29884841, 33471991, 31853058, 32377563, 28868023)

Quest Diagnostics Nichols Institute San Juan Capistrano
Classification: Uncertain significance. Last evaluated: 2024-08-22. Review status: criteria provided, single submitter. Criteria: Quest Diagnostics criteria. Collection method: clinical testing. Allele origin: unknown.
Comment: The BRCA2 c.5272A>G (p.Asn1758Asp) variant has been reported in the published literature in individuals with breast cancer (PMIDs: 28868023 (2017), 33471991 (2021)), as well as individuals referred for hereditary breast/ovarian cancer genetic testing (PMID: 31853058 (2020)). It is also described to be located in a region of the BRCA2 gene that is tolerant to missense sequence changes (PMID: 31911673 (2020)). The frequency of this variant in the general population, 0.000004 (1/250312 chromosomes (Genome Aggregation Database)), is uninformative in the assessment of its pathogenicity. Analysis of this variant using bioinformatics tools for the prediction of the effect of amino acid changes on protein structure and function yielded predictions that this variant is benign. Based on the available information, we are unable to determine the clinical significance of this variant.

All of Us Research Program, National Institutes of Health
Classification: Uncertain significance for BRCA2-related cancer predisposition. Last evaluated: 2024-05-09. Review status: criteria provided, single submitter. Criteria: ACMG Guidelines, 2015. Collection method: clinical testing. Allele origin: germline. Inheritance: Autosomal dominant inheritance. Observed: 5 variant alleles, 5 heterozygotes.
Comment: This missense variant replaces asparagine with aspartic acid at codon 1758 of the BRCA2 protein. Computational prediction suggests that this variant may not impact protein structure and function (internally defined REVEL score threshold <= 0.5, PMID: 27666373). To our knowledge, functional studies have not been reported for this variant. This variant has been reported in at least three individual affected with breast cancer (PMID: 28868023, 33471991; Leiden Open Variation Database DB-ID BRCA2_008322; Color internal data). This variant has been identified in 1/250312 chromosomes in the general population by the Genome Aggregation Database (gnomAD). The available evidence is insufficient to determine the role of this variant in disease conclusively. Therefore, this variant is classified as a Variant of Uncertain Significance.

This study involves interpretation of variants in research participants for the purpose of population health screening. Participant phenotype was not available at the time of variant classification. Additional details can be found in publication PMID: 35346344, PMCID: PMC8962531

University of Washington Department of Laboratory Medicine, University of Washington
Classification: Likely benign for Hereditary cancer-predisposing syndrome. Last evaluated: 2023-03-23. Review status: criteria provided, single submitter. Criteria: Dines et al. (Genet Med. 2020). Collection method: curation. Allele origin: germline.
Comment: Missense variant in a coldspot region where missense variants are very unlikely to be pathogenic (PMID:31911673).

BRCA2 exon 11 coldspot. Reclassification based on statistical prior probability.

Mayo Clinic Laboratories, Mayo Clinic
Classification: Uncertain significance. Last evaluated: 2019-04-18. Review status: criteria provided, single submitter. Criteria: ACMG Guidelines, 2015. Collection method: clinical testing. Allele origin: germline. Observed: 1 variant allele.

Counsyl
Classification: Uncertain significance for Breast-ovarian cancer, familial, susceptibility to, 2. Last evaluated: 2016-02-08. Review status: no assertion criteria provided. Collection method: clinical testing. Allele origin: unknown. Not counted in ClinVar's aggregate classification.

Breast Cancer Information Core (BIC) (BRCA2)
Classification: Uncertain significance for Breast-ovarian cancer, familial 2. Last evaluated: 2003-12-23. Review status: no assertion criteria provided. Collection method: clinical testing. Allele origin: germline. Affected: yes. Observed: 2 variant alleles. Not counted in ClinVar's aggregate classification.

Literature cited by the submitters: PubMed 28868023 (cited by 4 submitters); PubMed 33471991 (cited by 3 submitters); PubMed 37804357 (cited by Quest Diagnostics Nichols Institute San Juan Capistrano); PubMed 31853058 (cited by Quest Diagnostics Nichols Institute San Juan Capistrano); PubMed 31911673 (cited by Quest Diagnostics Nichols Institute San Juan Capistrano); PubMed 31131967 (cited by Quest Diagnostics Nichols Institute San Juan Capistrano); PubMed 24817641 (cited by Counsyl).

NM_000059.4(BRCA2):c.5272A>G (p.Asn1758Asp)

Gene: BRCA2 (BRCA2 DNA repair associated; plus strand). Cytogenetic location: 13q13.1.
Variant type: single nucleotide variant.
Coding change: c.5272A>G on transcript NM_000059.4 (MANE Select); coding-DNA position 5272, A replaced by G.
Protein change: p.Asn1758Asp; replaces asparagine 1758 with aspartic acid.
Molecular consequence: missense variant.
Genome position (GRCh38, 1-based): chr13:32,339,627, A>G. VCF-style: chr13-32339627-A-G. GRCh37 (hg19) VCF-style: chr13-32913764-A-G.
Other names: short protein forms N1758D.
Identifiers: ClinVar variation 51832 (VCV000051832.41), dbSNP rs80358750, ClinGen allele CA021918.